The following is an entry in ClinVar:

NM_002185.5(IL7R):c.668G>T (p.Ser223Ile)

Gene: IL7R (interleukin 7 receptor; plus strand). Cytogenetic location: 5p13.2.
Variant type: single nucleotide variant.
Coding change: c.668G>T on transcript NM_002185.5 (MANE Select); coding-DNA position 668, G replaced by T.
Protein change: p.Ser223Ile; replaces serine 223 with isoleucine.
Molecular consequence: missense variant.
Genome position (GRCh38, 1-based): chr5:35,873,610, G>T. VCF-style: chr5-35873610-G-T. GRCh37 (hg19) VCF-style: chr5-35873712-G-T.
Other names: short protein forms S223I.
Identifiers: ClinVar variation 1406296 (VCV001406296.8), dbSNP rs2149903454, ClinGen allele CA359431034.

ClinVar aggregate classification (germline): Uncertain significance (1 of 4 stars; one submission).

Conditions:
Immunodeficiency 104. Also called: SCID, AUTOSOMAL RECESSIVE, T CELL-NEGATIVE, B CELL-POSITIVE, NK CELL-POSITIVE; IMMUNODEFICIENCY 104, SEVERE COMBINED; Severe combined immunodeficiency, autosomal recessive, T cell-negative, B cell-positive, NK cell-positive; Severe Combined Immune Deficiency, Autosomal Recessive, TCell -Negative, B Cell-Positive, NK Cell-Positive, IL7R-Related. Identifiers: MedGen C5676890, MONDO:0012163, OMIM 608971.

Submission:

Labcorp Genetics (formerly Invitae), Labcorp
Classification: Uncertain significance for Immunodeficiency 104. Last evaluated: 2021-04-27. Review status: criteria provided, single submitter. Criteria: Invitae Variant Classification Sherloc (09022015). Collection method: clinical testing. Allele origin: germline.
Comment: This sequence change replaces serine with isoleucine at codon 223 of the IL7R protein (p.Ser223Ile). The serine residue is highly conserved and there is a large physicochemical difference between serine and isoleucine. This variant is not present in population databases (ExAC no frequency). This variant has not been reported in the literature in individuals with IL7R-related conditions. Advanced modeling of protein sequence and biophysical properties (such as structural, functional, and spatial information, amino acid conservation, physicochemical variation, residue mobility, and thermodynamic stability) performed at Invitae indicates that this missense variant is expected to disrupt IL7R protein function. In summary, the available evidence is currently insufficient to determine the role of this variant in disease. Therefore, it has been classified as a Variant of Uncertain Significance.